The following is an entry in ClinVar:

ClinVar aggregate classification (germline): Uncertain significance. Review status: criteria provided, multiple submitters, no conflicts (2 of 4 stars). 4 submissions from 4 submitters: Uncertain significance (3). 1 of the submissions does not count toward it. Last evaluated 2025-08-29.

Conditions:
Hereditary cancer-predisposing syndrome. Also called: Hereditary neoplastic syndrome; Hereditary Cancer Syndrome; Tumor predisposition; Neoplastic Syndromes, Hereditary. Identifiers: Orphanet 140162, MedGen C0027672, MeSH D009386, MONDO:0015356.
Carcinoma of colon (CRC). Also called: Colon carcinoma; Colonic carcinoma. Identifiers: MedGen C0699790, MONDO:0002032.
Familial cancer of breast. Also called: BREAST CANCER, FAMILIAL; Hereditary breast cancer; hereditary breast carcinoma. Identifiers: Orphanet 227535, MedGen C0346153, MONDO:0016419, OMIM 114480. Disease mechanism: loss of function.

Allele frequency attached by ClinVar (database versions not stated): gnomAD exomes below 0.00001.

Submissions (4):

Ambry Genetics
Classification: Uncertain significance for Hereditary cancer-predisposing syndrome. Last evaluated: 2025-08-29. Review status: criteria provided, single submitter. Criteria: Ambry Variant Classification Scheme 2023. Collection method: clinical testing. Allele origin: germline.
Comment: The p.G467S variant (also known as c.1399G>A), located in coding exon 4 of the PALB2 gene, results from a G to A substitution at nucleotide position 1399. The glycine at codon 467 is replaced by serine, an amino acid with similar properties. This amino acid position is poorly conserved in available vertebrate species. In addition, this alteration is predicted to be tolerated by in silico analysis. Since supporting evidence is limited at this time, the clinical significance of this alteration remains unclear.

Labcorp Genetics (formerly Invitae), Labcorp
Classification: Uncertain significance for Familial cancer of breast. Last evaluated: 2021-04-11. Review status: criteria provided, single submitter. Criteria: Invitae Variant Classification Sherloc (09022015). Collection method: clinical testing. Allele origin: germline.
Comment: This sequence change replaces glycine with serine at codon 467 of the PALB2 protein (p.Gly467Ser). The glycine residue is weakly conserved and there is a small physicochemical difference between glycine and serine. This variant is not present in population databases (ExAC no frequency). This variant has not been reported in the literature in individuals with PALB2-related disease. ClinVar contains an entry for this variant (Variation ID: 421651). Algorithms developed to predict the effect of missense changes on protein structure and function (SIFT, PolyPhen-2, Align-GVGD) all suggest that this variant is likely to be tolerated, but these predictions have not been confirmed by published functional studies and their clinical significance is uncertain. In summary, the available evidence is currently insufficient to determine the role of this variant in disease. Therefore, it has been classified as a Variant of Uncertain Significance.

GeneDx
Classification: Uncertain significance. Last evaluated: 2016-07-13. Review status: criteria provided, single submitter. Criteria: GeneDx Variant Classification (06012015). Collection method: clinical testing. Allele origin: germline. Affected: yes.
Comment: This variant is denoted PALB2 c.1399G>A at the cDNA level, p.Gly467Ser (G467S) at the protein level, and results in the change of a Glycine to a Serine (GGC>AGC). This variant has not, to our knowledge, been published in the literature as pathogenic or benign. PALB2 Gly467Ser was not observed in approximately 6,500 individuals of European and African American ancestry in the NHLBI Exome Sequencing Project, suggesting it is not a common benign variant in these populations. Since Glycine and Serine differ in polarity, charge, size or other properties, this is considered a non-conservative amino acid substitution. PALB2 Gly467Ser occurs at a position that is not conserved and is located in the DNA binding region (UniProt). In silico analyses predict that this variant is unlikely to alter protein structure or function. Based on currently available evidence, it is unclear whether PALB2 Gly467Ser is a pathogenic or benign variant. We consider it to be a variant of uncertain significance.

Leiden Open Variation Database
Classification: Uncertain significance for Colorectal cancer. Last evaluated: 2017-01-31. Review status: no assertion criteria provided. Collection method: curation. Allele origin: germline. Affected: yes. Not counted in ClinVar's aggregate classification.
Comment: Curators: Marc Tischkowitz, Arleen D. Auerbach. Submitter to LOVD: Melissa DeRycke.

NM_024675.4(PALB2):c.1399G>A (p.Gly467Ser)

Gene: PALB2 (partner and localizer of BRCA2; minus strand). Cytogenetic location: 16p12.2.
Variant type: single nucleotide variant.
Coding change: c.1399G>A on transcript NM_024675.4 (MANE Select); coding-DNA position 1399, G replaced by A.
Protein change: p.Gly467Ser; replaces glycine 467 with serine.
Molecular consequence: missense variant.
Genome position (GRCh38, 1-based): chr16:23,635,147, C>T on the plus strand (G>A on the coding strand, the complement: PALB2 is on the minus strand). VCF-style: chr16-23635147-C-T. GRCh37 (hg19) VCF-style: chr16-23646468-C-T.
Other names: short protein forms G467S.
Identifiers: ClinVar variation 421651 (VCV000421651.19), dbSNP rs45602239, ClinGen allele CA16620146.